The following is an entry in ClinVar:

ClinVar aggregate classification (germline): Uncertain significance. Review status: criteria provided, multiple submitters, no conflicts (2 of 4 stars). 5 submissions from 5 submitters: Uncertain significance (5). Last evaluated 2025-10-24.

Conditions:
Inborn genetic diseases. Identifiers: MedGen C0950123, MeSH D030342.
Cerebral cavernous malformation (CCM). Also called: Cerebral cavernous hemangioma (type); Cavernous Hemangioma of Brain; Cerebral cavernous malformations; CAVERNOUS ANGIOMA, FAMILIAL; CAVERNOUS ANGIOMATOUS MALFORMATIONS; CEREBRAL CAPILLARY MALFORMATIONS. Identifiers: Orphanet 221061, MedGen C2919945, MONDO:0000820, OMIM 116860, HP:0033522.

Allele frequency attached by ClinVar (database versions not stated): ExAC 0.00001; gnomAD exomes 0.00002 and 0.00008; gnomAD 0.00003; TOPMed 0.00003; ESP Exome Variant Server 0.00008.
gnomAD v4.1: 114 of 1,613,500 alleles (0.0071%); highest among the groups gnomAD compares: Non-Finnish European, 0.0093%; no homozygotes.

Submissions (5):

Ambry Genetics
Classification: Uncertain significance for Inborn genetic diseases. Last evaluated: 2025-10-24. Review status: criteria provided, single submitter. Criteria: Ambry Variant Classification Scheme 2023. Collection method: clinical testing. Allele origin: germline.
Comment: The c.499C>T (p.R167C) alteration is located in exon 9 (coding exon 5) of the KRIT1 gene. This alteration results from a C to T substitution at nucleotide position 499, causing the arginine (R) at amino acid position 167 to be replaced by a cysteine (C). Based on data from gnomAD, the T allele has an overall frequency of 0.002% (5/282650) total alleles studied. The highest observed frequency was 0.014% (1/7210) of Other alleles. Based on insufficient or conflicting evidence, the clinical significance of this alteration remains unclear.

Mayo Clinic Laboratories, Mayo Clinic
Classification: Uncertain significance. Last evaluated: 2025-10-09. Review status: criteria provided, single submitter. Criteria: ACMG Guidelines, 2015. Collection method: clinical testing. Allele origin: germline. Observed: 1 variant allele.
Comment: PM1_supporting

ARUP Laboratories, Molecular Genetics and Genomics, ARUP Laboratories
Classification: Uncertain significance. Last evaluated: 2024-07-15. Review status: criteria provided, single submitter. Criteria: ARUP Molecular Germline Variant Investigation Process 2024. Collection method: clinical testing. Allele origin: germline.
Comment: The KRIT1 c.499C>T; p.Arg167Cys variant (rs35350895), to our knowledge, is not reported in the medical literature but is reported in ClinVar (Variation ID: 1005130). This variant is observed in the general population with an overall allele frequency of 0.002% (5/282650 alleles) in the Genome Aggregation Database (v2.1.1). Computational analyses are uncertain whether this variant is neutral or deleterious (REVEL: 0.387). Due to limited information, the clinical significance of this variant is uncertain at this time.

GeneDx
Classification: Uncertain significance. Last evaluated: 2021-05-21. Review status: criteria provided, single submitter. Criteria: GeneDx Variant Classification Process June 2021. Collection method: clinical testing. Allele origin: germline. Affected: yes.
Comment: Not observed at a significant frequency in large population cohorts (Lek et al., 2016); In silico analysis supports that this missense variant has a deleterious effect on protein structure/function; Has not been previously published as pathogenic or benign to our knowledge

Labcorp Genetics (formerly Invitae), Labcorp
Classification: Uncertain significance for Cerebral cavernous malformation. Last evaluated: 2020-05-29. Review status: criteria provided, single submitter. Criteria: Invitae Variant Classification Sherloc (09022015). Collection method: clinical testing. Allele origin: germline.
Comment: This variant is present in population databases (rs35350895, ExAC 0.002%). This sequence change replaces arginine with cysteine at codon 167 of the KRIT1 protein (p.Arg167Cys). The arginine residue is moderately conserved and there is a large physicochemical difference between arginine and cysteine. This variant has not been reported in the literature in individuals with KRIT1-related conditions. In summary, the available evidence is currently insufficient to determine the role of this variant in disease. Therefore, it has been classified as a Variant of Uncertain Significance. Algorithms developed to predict the effect of missense changes on protein structure and function (SIFT, PolyPhen-2, Align-GVGD) all suggest that this variant is likely to be disruptive, but these predictions have not been confirmed by published functional studies and their clinical significance is uncertain.

NM_194454.3(KRIT1):c.499C>T (p.Arg167Cys)

Gene: KRIT1 (KRIT1 ankyrin repeat containing; minus strand). Cytogenetic location: 7q21.2.
Variant type: single nucleotide variant.
Coding change: c.499C>T on transcript NM_194454.3 (MANE Select); coding-DNA position 499, C replaced by T.
Protein change: p.Arg167Cys; replaces arginine 167 with cysteine.
Molecular consequence: missense variant. On other transcripts: 5 prime UTR variant (1).
Genome position (GRCh38, 1-based): chr7:92,235,633, G>A on the plus strand (C>T on the coding strand, the complement: KRIT1 is on the minus strand). VCF-style: chr7-92235633-G-A. GRCh37 (hg19) VCF-style: chr7-91864947-G-A.
Other names: p.Arg167Cys; c.499C>T, p.Arg167Cys (NM_001013406.2, NM_001350669.1, NM_001350670.1 and 29 more transcripts); c.-85C>T (NM_001350671.1); short protein forms R167C.
Identifiers: ClinVar variation 1005130 (VCV001005130.12), dbSNP rs35350895, ClinGen allele CA4339354.
Genomic context (GRCh38, chr7:92,235,633, plus strand): 5'-TTATCCGCTCAAGAGGAGAAGGTCGGAATAAAGCTGGAATAAAGTGAGATTGTGCATGAC[G>A]TTCATCTAACCACCTGGCAAAATAAAAAAACAGGTAGAAGTAGCCATTCGAAAGTGAAGA-3'
Protein context (NP_919436.1, residues 157-177): LIALDKWLDE[Arg167Cys]HAQSHFIPAL